The following is an entry in ClinVar:

ClinVar aggregate classification (germline): Benign/Likely benign. Review status: criteria provided, multiple submitters, no conflicts (2 of 4 stars). 6 submissions from 5 submitters: Benign (3); Likely benign (3). Last evaluated 2026-08-04.

Conditions:
Familial thoracic aortic aneurysm and aortic dissection (TAAD). Also called: Thoracic aortic aneurysms and dissections. Identifiers: Orphanet 91387, MedGen C4707243, MONDO:0019625.
Adams-Oliver syndrome 5 (AOS5). Identifiers: Orphanet 974, MedGen C4014970, MONDO:0014459, OMIM 616028.
Aortic valve disease 1 (AOVD1). Identifiers: MedGen C3887892, MONDO:0024523, OMIM 109730.

Allele frequency attached by ClinVar (database versions not stated): gnomAD exomes 0.00003 and 0.00006; gnomAD 0.00001; ExAC 0.00007; TOPMed 0.00002.
gnomAD v4.1: 52 of 1,611,200 alleles (0.0032%); highest among the groups gnomAD compares: Middle Eastern, 0.016%; no homozygotes.

Submissions (6):

Ambry Genetics
Classification: Likely benign for Familial thoracic aortic aneurysm and aortic dissection. Last evaluated: 2026-08-04. Review status: criteria provided, single submitter. Criteria: Ambry Variant Classification Scheme 2023. Collection method: clinical testing. Allele origin: germline.

Labcorp Genetics (formerly Invitae), Labcorp
Classification: Likely benign for Adams-Oliver syndrome 5. Last evaluated: 2026-01-04. Review status: criteria provided, single submitter. Criteria: Invitae Variant Classification Sherloc (09022015). Collection method: clinical testing. Allele origin: germline.

Women's Health and Genetics/Laboratory Corporation of America, LabCorp
Classification: Benign. Last evaluated: 2024-11-26. Review status: criteria provided, single submitter. Criteria: LabCorp Variant Classification Summary - May 2015. Collection method: clinical testing. Allele origin: germline.

Genome-Nilou Lab
Classification: Benign for Adams-Oliver syndrome 5. Last evaluated: 2022-03-15. Review status: criteria provided, single submitter. Criteria: ACMG Guidelines, 2015. Collection method: clinical testing. Allele origin: germline. Affected: no.

Genome-Nilou Lab
Classification: Benign for Aortic valve disease 1. Last evaluated: 2022-03-15. Review status: criteria provided, single submitter. Criteria: ACMG Guidelines, 2015. Collection method: clinical testing. Allele origin: germline. Affected: no.

GeneDx
Classification: Likely benign. Last evaluated: 2016-11-09. Review status: criteria provided, single submitter. Criteria: GeneDx Variant Classification (06012015). Collection method: clinical testing. Allele origin: germline. Affected: yes.
Comment: This variant is considered likely benign or benign based on one or more of the following criteria: it is a conservative change, it occurs at a poorly conserved position in the protein, it is predicted to be benign by multiple in silico algorithms, and/or has population frequency not consistent with disease.

NM_017617.5(NOTCH1):c.5805C>T (p.Ala1935=)

Gene: NOTCH1 (notch receptor 1; minus strand). Cytogenetic location: 9q34.3.
Variant type: single nucleotide variant.
Coding change: c.5805C>T on transcript NM_017617.5 (MANE Select); coding-DNA position 5805, C replaced by T.
Protein change: p.Ala1935=; no amino-acid change (alanine 1935 retained).
Molecular consequence: synonymous variant.
Genome position (GRCh38, 1-based): chr9:136,500,681, G>A on the plus strand (C>T on the coding strand, the complement: NOTCH1 is on the minus strand). VCF-style: chr9-136500681-G-A. GRCh37 (hg19) VCF-style: chr9-139395133-G-A.
Other names: c.5805C>T, p.Ala1935= (LRG_1122t1).
Identifiers: ClinVar variation 390747 (VCV000390747.15), dbSNP rs774693459, ClinGen allele CA5340123.
Genomic context (GRCh38, chr9:136,500,681, plus strand): 5'-GTTGGCATCTGCGCTGGCCTCCAGCAGGCGCTTGGCGGCATCAGAGCGTGAGTAGCGGGC[G>A]GCCAGGTGCAAGGCGGTCTCGCCCGTGCGGTCTGTCTGGTTGTGCAGGCTGGCGCCCTGG-3'
Protein context (NP_060087.3, residues 1925-1945): DRTGETALHL[Ala1935=]ARYSRSDAAK